The following is an entry in ClinVar:

NM_000051.4(ATM):c.5534T>C (p.Leu1845Ser)

Gene: ATM (ATM serine/threonine kinase; plus strand). Cytogenetic location: 11q22.3.
Variant type: single nucleotide variant.
Coding change: c.5534T>C on transcript NM_000051.4 (MANE Select); coding-DNA position 5534, T replaced by C.
Protein change: p.Leu1845Ser; replaces leucine 1845 with serine.
Molecular consequence: missense variant.
Genome position (GRCh38, 1-based): chr11:108,304,712, T>C. VCF-style: chr11-108304712-T-C. GRCh37 (hg19) VCF-style: chr11-108175439-T-C.
Other names: c.5534T>C, p.Leu1845Ser (NM_001351834.2); short protein forms L1845S.
Identifiers: ClinVar variation 490613 (VCV000490613.7), dbSNP rs1555107319, ClinGen allele CA382545887.

ClinVar aggregate classification (germline): Uncertain significance. Review status: criteria provided, multiple submitters, no conflicts (2 of 4 stars). 2 submissions from 2 submitters: Uncertain significance (2). Last evaluated 2024-05-24.

Conditions:
Hereditary cancer-predisposing syndrome. Also called: Hereditary Cancer Syndrome; Neoplastic Syndromes, Hereditary; Tumor predisposition; Hereditary neoplastic syndrome. Identifiers: Orphanet 140162, MedGen C0027672, MeSH D009386, MONDO:0015356.

Submissions (2):

Ambry Genetics
Classification: Uncertain significance for Hereditary cancer-predisposing syndrome. Last evaluated: 2024-05-24. Review status: criteria provided, single submitter. Criteria: Ambry Variant Classification Scheme 2023. Collection method: clinical testing. Allele origin: germline.
Comment: The p.L1845S variant (also known as c.5534T>C), located in coding exon 36 of the ATM gene, results from a T to C substitution at nucleotide position 5534. The leucine at codon 1845 is replaced by serine, an amino acid with dissimilar properties. This amino acid position is conserved. In addition, this alteration is predicted to be deleterious by in silico analysis. Based on the available evidence, the clinical significance of this variant remains unclear.

Color Diagnostics, LLC DBA Color Health
Classification: Uncertain significance for Hereditary cancer-predisposing syndrome. Last evaluated: 2023-12-05. Review status: criteria provided, single submitter. Criteria: ACMG Guidelines, 2015. Collection method: clinical testing. Allele origin: germline.
Comment: This missense variant replaces leucine with serine at codon 1845 of the ATM protein. Computational prediction suggests that this variant may have deleterious impact on protein structure and function (internally defined REVEL score threshold >= 0.7, PMID: 27666373). To our knowledge, functional studies have not been reported for this variant. This variant has not been reported in individuals affected with ATM-related disorders in the literature. This variant has not been identified in the general population by the Genome Aggregation Database (gnomAD). The available evidence is insufficient to determine the role of this variant in disease conclusively. Therefore, this variant is classified as a Variant of Uncertain Significance.